The following is an entry in ClinVar:

ClinVar aggregate classification (germline): Uncertain significance (1 of 4 stars; one submission).

Conditions:
Primary ciliary dyskinesia 23 (CILD23). Also called: CILIARY DYSKINESIA, PRIMARY, 23, WITH OR WITHOUT SITUS INVERSUS. Identifiers: Orphanet 244, MedGen C3809548, MONDO:0014193, OMIM 615451.

Submission:

Labcorp Genetics (formerly Invitae), Labcorp
Classification: Uncertain significance for Primary ciliary dyskinesia 23. Last evaluated: 2021-10-14. Review status: criteria provided, single submitter. Criteria: Invitae Variant Classification Sherloc (09022015). Collection method: clinical testing. Allele origin: germline.
Comment: In summary, the available evidence is currently insufficient to determine the role of this variant in disease. Therefore, it has been classified as a Variant of Uncertain Significance. Algorithms developed to predict the effect of missense changes on protein structure and function (SIFT, PolyPhen-2, Align-GVGD) all suggest that this variant is likely to be tolerated. This variant has not been reported in the literature in individuals affected with ARMC4-related conditions. This variant is not present in population databases (ExAC no frequency). This sequence change replaces glutamine with proline at codon 596 of the ARMC4 protein (p.Gln596Pro). The glutamine residue is weakly conserved and there is a moderate physicochemical difference between glutamine and proline.

NM_018076.5(ODAD2):c.1787A>C (p.Gln596Pro)

Gene: ODAD2 (outer dynein arm docking complex subunit 2; minus strand). Cytogenetic location: 10p12.1.
Variant type: single nucleotide variant.
Coding change: c.1787A>C on transcript NM_018076.5 (MANE Select); coding-DNA position 1787, A replaced by C.
Protein change: p.Gln596Pro; replaces glutamine 596 with proline.
Molecular consequence: missense variant.
Genome position (GRCh38, 1-based): chr10:27,940,762, T>G on the plus strand (A>C on the coding strand, the complement: ODAD2 is on the minus strand). VCF-style: chr10-27940762-T-G. GRCh37 (hg19) VCF-style: chr10-28229691-T-G.
Other names: c.1787A>C, p.Gln596Pro (NM_001290020.2); c.362A>C, p.Gln121Pro (NM_001290021.2); c.863A>C, p.Gln288Pro (NM_001312689.2); short protein forms Q121P, Q288P, Q596P.
Identifiers: ClinVar variation 1681368 (VCV001681368.6), dbSNP rs772227784, ClinGen allele CA376392752.